The following is an entry in ClinVar:

NM_000532.5(PCCB):c.1518C>G (p.Ile506Met)

Gene: PCCB (propionyl-CoA carboxylase subunit beta; plus strand). Cytogenetic location: 3q22.3.
Variant type: single nucleotide variant.
Coding change: c.1518C>G on transcript NM_000532.5 (MANE Select); coding-DNA position 1518, C replaced by G.
Protein change: p.Ile506Met; replaces isoleucine 506 with methionine.
Molecular consequence: missense variant.
Genome position (GRCh38, 1-based): chr3:136,329,924, C>G. VCF-style: chr3-136329924-C-G. GRCh37 (hg19) VCF-style: chr3-136048766-C-G.
Other names: c.1518C>G (NM_000532.4); c.1578C>G, p.Ile526Met (NM_001178014.2); short protein forms I506M, I526M.
Identifiers: ClinVar variation 2066387 (VCV002066387.2), dbSNP rs1374395631, ClinGen allele CA354649969.
Genomic context (GRCh38, chr3:136,329,924, plus strand): 5'-CGGGATGCAGATGATCCACTCCCTTTTCTGTGCTTCACCAGGGTTTGTGGATGACATCAT[C>G]CAACCTTCTTCCACACGTGCCCGAATCTGCTGTGACCTGGATGTCTTGGCCAGCAAGAAG-3'
Protein context (NP_000523.2, residues 496-516): AAVRGFVDDI[Ile506Met]QPSSTRARIC

ClinVar aggregate classification (germline): Uncertain significance. Review status: criteria provided, multiple submitters, no conflicts (2 of 4 stars). 2 submissions from 2 submitters: Uncertain significance (2). Last evaluated 2024-05-03.

Conditions:
Propionic acidemia (PROP). Also called: GLYCINEMIA, KETOTIC; HYPERGLYCINEMIA WITH KETOACIDOSIS AND LEUKOPENIA; KETOTIC HYPERGLYCINEMIA. Identifiers: Orphanet 35, MedGen C0268579, MONDO:0011628, OMIM 606054, HP:0003571.

Allele frequency attached by ClinVar (database versions not stated): gnomAD 0.00001; TOPMed 0.00001.
gnomAD v4.1: 12 of 1,614,052 alleles (0.00074%); highest among the groups gnomAD compares: South Asian, 0.0011%; no homozygotes.

Submissions (2):

GeneDx
Classification: Uncertain significance. Last evaluated: 2024-05-03. Review status: criteria provided, single submitter. Criteria: GeneDx Variant Classification Process June 2021. Collection method: clinical testing. Allele origin: germline. Affected: yes.
Comment: Not observed at significant frequency in large population cohorts (gnomAD); In silico analysis supports that this missense variant has a deleterious effect on protein structure/function; Has not been previously published as pathogenic or benign to our knowledge

Labcorp Genetics (formerly Invitae), Labcorp
Classification: Uncertain significance for Propionic acidemia. Last evaluated: 2022-02-12. Review status: criteria provided, single submitter. Criteria: Invitae Variant Classification Sherloc (09022015). Collection method: clinical testing. Allele origin: germline.
Comment: This sequence change replaces isoleucine, which is neutral and non-polar, with methionine, which is neutral and non-polar, at codon 506 of the PCCB protein (p.Ile506Met). This variant is present in population databases (no rsID available, gnomAD 0.007%). This variant has not been reported in the literature in individuals affected with PCCB-related conditions. Advanced modeling of protein sequence and biophysical properties (such as structural, functional, and spatial information, amino acid conservation, physicochemical variation, residue mobility, and thermodynamic stability) performed at Invitae indicates that this missense variant is expected to disrupt PCCB protein function. In summary, the available evidence is currently insufficient to determine the role of this variant in disease. Therefore, it has been classified as a Variant of Uncertain Significance.